The following is an entry in ClinVar:

ClinVar aggregate classification (germline): Conflicting classifications of pathogenicity. Review status: criteria provided, conflicting classifications (1 of 4 stars). 3 submissions from 3 submitters: Uncertain significance (2); Likely benign (1). Last evaluated 2026-08-24.

Conditions:
Hereditary cancer-predisposing syndrome. Also called: Hereditary Cancer Syndrome; Hereditary neoplastic syndrome; Neoplastic Syndromes, Hereditary; Tumor predisposition. Identifiers: Orphanet 140162, MedGen C0027672, MeSH D009386, MONDO:0015356.
Hereditary nonpolyposis colorectal neoplasms. Identifiers: MedGen C0009405, MeSH D003123.

Submissions (3):

Ambry Genetics
Classification: Likely benign for Hereditary cancer-predisposing syndrome. Last evaluated: 2026-08-24. Review status: criteria provided, single submitter. Criteria: Ambry Variant Classification Scheme 2023. Collection method: clinical testing. Allele origin: germline.

Color Diagnostics, LLC DBA Color Health
Classification: Uncertain significance for Hereditary cancer-predisposing syndrome. Last evaluated: 2025-01-27. Review status: criteria provided, single submitter. Criteria: ACMG Guidelines, 2015. Collection method: clinical testing. Allele origin: germline.
Comment: This missense variant replaces proline with threonine at codon 66 of the MSH6 protein. Computational prediction suggests that this variant may not impact protein structure and function (internally defined REVEL score threshold <= 0.5, PMID: 27666373). To our knowledge, functional studies have not been reported for this variant. This variant has not been reported in individuals affected with MSH6-related disorders in the literature. This variant has not been identified in the general population by the Genome Aggregation Database (gnomAD). The available evidence is insufficient to determine the role of this variant in disease conclusively. Therefore, this variant is classified as a Variant of Uncertain Significance.

Labcorp Genetics (formerly Invitae), Labcorp
Classification: Uncertain significance for Hereditary nonpolyposis colorectal neoplasms. Last evaluated: 2022-05-30. Review status: criteria provided, single submitter. Criteria: Invitae Variant Classification Sherloc (09022015). Collection method: clinical testing. Allele origin: germline.
Comment: In summary, the available evidence is currently insufficient to determine the role of this variant in disease. Therefore, it has been classified as a Variant of Uncertain Significance. Advanced modeling of protein sequence and biophysical properties (such as structural, functional, and spatial information, amino acid conservation, physicochemical variation, residue mobility, and thermodynamic stability) performed at Invitae indicates that this missense variant is not expected to disrupt MSH6 protein function. This variant has not been reported in the literature in individuals affected with MSH6-related conditions. This variant is not present in population databases (gnomAD no frequency). This sequence change replaces proline, which is neutral and non-polar, with threonine, which is neutral and polar, at codon 66 of the MSH6 protein (p.Pro66Thr).

NM_000179.3(MSH6):c.196C>A (p.Pro66Thr)

Gene: MSH6 (mutS homolog 6; plus strand). Cytogenetic location: 2p16.3.
Variant type: single nucleotide variant.
Coding change: c.196C>A on transcript NM_000179.3 (MANE Select); coding-DNA position 196, C replaced by A.
Protein change: p.Pro66Thr; replaces proline 66 with threonine.
Molecular consequence: missense variant. On other transcripts: 5 prime UTR variant (1).
Genome position (GRCh38, 1-based): chr2:47,783,429, C>A. VCF-style: chr2-47783429-C-A. GRCh37 (hg19) VCF-style: chr2-48010568-C-A.
Other names: c.196C>A, p.Pro66Thr (NM_001281492.2, NM_001406795.1, NM_001406796.1 and 9 more transcripts); c.-541C>A (NM_001281493.2, NM_001406811.1); c.-133C>A (NM_001406799.1); c.141C>A, p.His47Gln (NM_001406804.1); c.-733C>A (NM_001406807.1); c.-388C>A (NM_001406812.1); c.-799C>A (NM_001406814.1); c.-344C>A (NM_001406816.1); short protein forms P66T, H47Q.
Identifiers: ClinVar variation 1783582 (VCV001783582.13), dbSNP rs1572698406, ClinGen allele CA346735032.